The following is an entry in ClinVar:

ClinVar aggregate classification (germline): Benign/Likely benign. Review status: criteria provided, multiple submitters, no conflicts (2 of 4 stars). 2 submissions from 2 submitters: Benign (1); Likely benign (1). Last evaluated 2025-02-10.

Conditions:
Colorectal cancer, susceptibility to, 12 (CRCS12). Also called: COLORECTAL CANCER, SUSCEPTIBILITY TO, ON CHROMOSOME 12q24. Identifiers: Orphanet 220460, MedGen C3554460, MONDO:0014038, OMIM 615083.

gnomAD v4.1: 1 of 1,614,144 alleles (0.000062%); no homozygotes.

Submissions (2):

Myriad Genetics, Inc.
Classification: Benign for Colorectal cancer, susceptibility to, 12. Last evaluated: 2025-02-10. Review status: criteria provided, single submitter. Criteria: Myriad Autosomal Dominant, Autosomal Recessive and X-Linked Classification Criteria (2023). Collection method: clinical testing. Allele origin: unknown.
Comment: This variant is considered benign. This variant is a silent/synonymous amino acid change and it is not expected to impact splicing.

Labcorp Genetics (formerly Invitae), Labcorp
Classification: Likely benign. Last evaluated: 2024-07-08. Review status: criteria provided, single submitter. Criteria: Invitae Variant Classification Sherloc (09022015). Collection method: clinical testing. Allele origin: germline.

NM_006231.4(POLE):c.1062C>T (p.Thr354=)

Gene: POLE (DNA polymerase epsilon, catalytic subunit; minus strand). Cytogenetic location: 12q24.33.
Variant type: single nucleotide variant.
Coding change: c.1062C>T on transcript NM_006231.4 (MANE Select); coding-DNA position 1062, C replaced by T.
Protein change: p.Thr354=; no amino-acid change (threonine 354 retained).
Molecular consequence: synonymous variant.
Genome position (GRCh38, 1-based): chr12:132,675,779, G>A on the plus strand (C>T on the coding strand, the complement: POLE is on the minus strand). VCF-style: chr12-132675779-G-A. GRCh37 (hg19) VCF-style: chr12-133252365-G-A.
Identifiers: ClinVar variation 1080596 (VCV001080596.10), dbSNP rs145245295, ClinGen allele CA482849772.